The following is an entry in ClinVar:

NM_024529.5(CDC73):c.31T>C (p.Tyr11His)

Gene: CDC73 (cell division cycle 73; plus strand). Cytogenetic location: 1q31.2.
Variant type: single nucleotide variant.
Coding change: c.31T>C on transcript NM_024529.5 (MANE Select); coding-DNA position 31, T replaced by C.
Protein change: p.Tyr11His; replaces tyrosine 11 with histidine.
Molecular consequence: missense variant.
Genome position (GRCh38, 1-based): chr1:193,122,231, T>C. VCF-style: chr1-193122231-T-C. GRCh37 (hg19) VCF-style: chr1-193091361-T-C.
Other names: short protein forms Y11H.
Identifiers: ClinVar variation 1728800 (VCV001728800.2), dbSNP rs2103111616, ClinGen allele CA343972785.

ClinVar aggregate classification (germline): Uncertain significance (1 of 4 stars; one submission).

Conditions:
Hereditary cancer-predisposing syndrome. Also called: Tumor predisposition; Neoplastic Syndromes, Hereditary; Hereditary Cancer Syndrome; Hereditary neoplastic syndrome. Identifiers: Orphanet 140162, MedGen C0027672, MeSH D009386, MONDO:0015356.

Submission:

Ambry Genetics
Classification: Uncertain significance for Hereditary cancer-predisposing syndrome. Last evaluated: 2022-07-11. Review status: criteria provided, single submitter. Criteria: Ambry Variant Classification Scheme 2023. Collection method: clinical testing. Allele origin: germline.
Comment: The p.Y11H variant (also known as c.31T>C), located in coding exon 1 of the CDC73 gene, results from a T to C substitution at nucleotide position 31. The tyrosine at codon 11 is replaced by histidine, an amino acid with similar properties. This amino acid position is conserved. In addition, this alteration is predicted to be deleterious by in silico analysis. Since supporting evidence is limited at this time, the clinical significance of this alteration remains unclear.